The following is an entry in ClinVar:

NM_002150.3(HPD):c.44G>C (p.Arg15Pro)

Genes: HPD (4-hydroxyphenylpyruvate dioxygenase; minus strand), TIALD (transcript inducer of AURKA lysosomal degradation; plus strand). Cytogenetic location: 12q24.31.
Variant type: single nucleotide variant.
Coding change: c.44G>C on transcript NM_002150.3 (MANE Select); coding-DNA position 44, G replaced by C.
Protein change: p.Arg15Pro; replaces arginine 15 with proline.
Molecular consequence: missense variant. On other transcripts: 5 prime UTR variant (1).
Genome position (GRCh38, 1-based): chr12:121,857,806, C>G on the plus strand (G>C on the coding strand, the complement: HPD is on the minus strand). VCF-style: chr12-121857806-C-G. GRCh37 (hg19) VCF-style: chr12-122295712-C-G.
Other names: c.-74G>C (NM_001171993.2); short protein forms R15P.
Identifiers: ClinVar variation 2106507 (VCV002106507.4), dbSNP rs1415357723, ClinGen allele CA387002636.

ClinVar aggregate classification (germline): Uncertain significance (1 of 4 stars; one submission).

Conditions:
Hawkinsinuria. Identifiers: Orphanet 2118, MedGen C2931042, MONDO:0007700, OMIM 140350, HP:0034457.
Tyrosinemia type III. Also called: Tyrosinemia type 3; 4-alpha hydroxyphenylpyruvic acid oxidase deficiency; 4-alpha hydroxyphenylpyruvate dioxygenase deficiency; 4-Hydroxyphenylpyruvate dioxygenase deficiency; 4-HYDROXYPHENYLPYRUVIC ACID OXIDASE DEFICIENCY. Identifiers: Orphanet 69723, MedGen C0268623, MONDO:0010162, OMIM 276710.

Submission:

Labcorp Genetics (formerly Invitae), Labcorp
Classification: Uncertain significance for Tyrosinemia type III; Hawkinsinuria. Last evaluated: 2023-04-05. Review status: criteria provided, single submitter. Criteria: Invitae Variant Classification Sherloc (09022015). Collection method: clinical testing. Allele origin: germline.
Comment: This sequence change replaces arginine, which is basic and polar, with proline, which is neutral and non-polar, at codon 15 of the HPD protein (p.Arg15Pro). This variant has not been reported in the literature in individuals affected with HPD-related conditions. This variant is not present in population databases (gnomAD no frequency). In summary, the available evidence is currently insufficient to determine the role of this variant in disease. Therefore, it has been classified as a Variant of Uncertain Significance. Advanced modeling of protein sequence and biophysical properties (such as structural, functional, and spatial information, amino acid conservation, physicochemical variation, residue mobility, and thermodynamic stability) performed at Invitae indicates that this missense variant is not expected to disrupt HPD protein function. ClinVar contains an entry for this variant (Variation ID: 2106507).